The following is an entry in ClinVar:

ClinVar aggregate classification (germline): Conflicting classifications of pathogenicity. Review status: criteria provided, conflicting classifications (1 of 4 stars). 5 submissions from 5 submitters: Uncertain significance (4); Likely benign (1). Last evaluated 2025-02-11.

Conditions:
Hereditary cancer-predisposing syndrome. Also called: Neoplastic Syndromes, Hereditary; Tumor predisposition; Hereditary neoplastic syndrome; Hereditary Cancer Syndrome. Identifiers: Orphanet 140162, MedGen C0027672, MeSH D009386, MONDO:0015356.
Hereditary breast ovarian cancer syndrome. Also called: Hereditary breast and ovarian cancer syndrome; Hereditary breast and ovarian cancer; Hereditary breast and ovarian cancer syndrome (HBOC); Breast and ovarian cancer; Hereditary breast and/or ovarian cancer syndrome; BRCA1- and BRCA2-Associated Hereditary Breast and Ovarian Cancer. Identifiers: Orphanet 145, MedGen C0677776, MeSH D061325, MONDO:0003582. Disease mechanism: loss of function.

Allele frequency attached by ClinVar (database versions not stated): gnomAD exomes below 0.00001; TOPMed below 0.00001.
gnomAD v4.1: 3 of 1,614,112 alleles (0.00019%); no homozygotes.

Submissions (5):

Ambry Genetics
Classification: Uncertain significance for Hereditary cancer-predisposing syndrome. Last evaluated: 2025-02-11. Review status: criteria provided, single submitter. Criteria: Ambry Variant Classification Scheme 2023. Collection method: clinical testing. Allele origin: germline.
Comment: The p.T1658N variant (also known as c.4973C>A), located in coding exon 14 of the BRCA1 gene, results from a C to A substitution at nucleotide position 4973. The threonine at codon 1658 is replaced by asparagine, an amino acid with similar properties. This amino acid position is highly conserved in available vertebrate species. In addition, the in silico prediction for this alteration is inconclusive. Based on the available evidence, the clinical significance of this variant remains unclear.

Labcorp Genetics (formerly Invitae), Labcorp
Classification: Uncertain significance for Hereditary breast ovarian cancer syndrome. Last evaluated: 2024-02-05. Review status: criteria provided, single submitter. Criteria: Invitae Variant Classification Sherloc (09022015). Collection method: clinical testing. Allele origin: germline.
Comment: This sequence change replaces threonine, which is neutral and polar, with asparagine, which is neutral and polar, at codon 1658 of the BRCA1 protein (p.Thr1658Asn). This variant is present in population databases (no rsID available, gnomAD 0.003%). This variant has not been reported in the literature in individuals affected with BRCA1-related conditions. ClinVar contains an entry for this variant (Variation ID: 630092). Advanced modeling of protein sequence and biophysical properties (such as structural, functional, and spatial information, amino acid conservation, physicochemical variation, residue mobility, and thermodynamic stability) performed at Invitae indicates that this missense variant is not expected to disrupt BRCA1 protein function with a negative predictive value of 95%. Experimental studies have shown that this missense change affects BRCA1 function (PMID: 19683496). In summary, the available evidence is currently insufficient to determine the role of this variant in disease. Therefore, it has been classified as a Variant of Uncertain Significance.

National Health Laboratory Service, Universitas Academic Hospital and University of the Free State
Classification: Likely benign for Hereditary breast ovarian cancer syndrome. Last evaluated: 2022-04-19. Review status: criteria provided, single submitter. Criteria: ACMG Guidelines, 2015. Collection method: clinical testing. Allele origin: germline. Affected: yes. Observed: 1 variant allele.

Women's Health and Genetics/Laboratory Corporation of America, LabCorp
Classification: Uncertain significance. Last evaluated: 2021-10-08. Review status: criteria provided, single submitter. Criteria: LabCorp Variant Classification Summary - May 2015. Collection method: clinical testing. Allele origin: germline.
Comment: Variant summary: BRCA1 c.4973C>A (p.Thr1658Asn) results in a non-conservative amino acid change located in the BRCT Domain (IPR001357) of the encoded protein sequence. Three of five in-silico tools predict a damaging effect of the variant on protein function. The variant allele was found at a frequency of 4e-06 in 250286 control chromosomes. The available data on variant occurrences in the general population are insufficient to allow any conclusion about variant significance. To our knowledge, no occurrence of c.4973C>A in individuals affected with Hereditary Breast And Ovarian Cancer Syndrome has been reported. One publication reports experimental evidence evaluating an impact on protein phosphorylation (Johnson_2009), however, does not allow convincing conclusions about the variant effect. Two clinical diagnostic laboratories have submitted clinical-significance assessments for this variant to ClinVar after 2014 without evidence for independent evaluation. Both laboratories classified the variant as uncertain significance. Based on the evidence outlined above, the variant was classified as uncertain significance.

Color Diagnostics, LLC DBA Color Health
Classification: Uncertain significance for Hereditary cancer-predisposing syndrome. Last evaluated: 2021-05-04. Review status: criteria provided, single submitter. Criteria: ACMG Guidelines, 2015. Collection method: clinical testing. Allele origin: germline.
Comment: This missense variant replaces threonine with asparagine at codon 1658 of the BRCA1 protein. Computational prediction is inconclusive regarding the impact of this variant on protein structure and function (internally defined REVEL score threshold 0.5 < inconclusive < 0.7, PMID: 27666373). To our knowledge, functional studies have not been reported for this variant. This variant has not been reported in individuals affected with hereditary cancer in the literature. This variant has been identified in 1/250286 chromosomes in the general population by the Genome Aggregation Database (gnomAD). The available evidence is insufficient to determine the role of this variant in disease conclusively. Therefore, this variant is classified as a Variant of Uncertain Significance.

Literature cited by the submitters: PubMed 19683496 (cited by Labcorp Genetics (formerly Invitae), Labcorp and Women's Health and Genetics/Laboratory Corporation of America, LabCorp).

NM_007294.4(BRCA1):c.4973C>A (p.Thr1658Asn)

Gene: BRCA1 (BRCA1 DNA repair associated; minus strand). Cytogenetic location: 17q21.31.
Variant type: single nucleotide variant.
Coding change: c.4973C>A on transcript NM_007294.4 (MANE Select); coding-DNA position 4973, C replaced by A.
Protein change: p.Thr1658Asn; replaces threonine 1658 with asparagine.
Molecular consequence: missense variant. On other transcripts: non-coding transcript variant (1).
Genome position (GRCh38, 1-based): chr17:43,070,941, G>T on the plus strand (C>A on the coding strand, the complement: BRCA1 is on the minus strand). VCF-style: chr17-43070941-G-T. GRCh37 (hg19) VCF-style: chr17-41222958-G-T.
Other names: NP_009225.1:p.Thr1658Asn; c.1523C>A, p.Thr508Asn (NM_001408453.1, NM_001408454.1, NM_001408456.1 and 3 more transcripts); c.1520C>A, p.Thr507Asn (NM_001408459.1, NM_001408460.1, NM_001408458.1 and 7 more transcripts); c.4829C>A, p.Thr1610Asn (NM_001407749.1, NM_001407750.1, NM_001407751.1 and 21 more transcripts); c.4826C>A, p.Thr1609Asn (NM_001407838.1, NM_001407839.1, NM_001407841.1 and 12 more transcripts); c.4973C>A, p.Thr1658Asn (NM_001407854.1, NM_001407593.1, NM_001407594.1 and 8 more transcripts); c.4970C>A, p.Thr1657Asn (NM_001407858.1, NM_001407859.1, NM_001407860.1 and 17 more transcripts); c.4967C>A, p.Thr1656Asn (NM_001407861.1, NM_001407627.1, NM_001407628.1 and 14 more transcripts); and 71 more; short protein forms T1658N, T1679N, T1611N, T554N, T1545N, T1546N, T1587N, T1609N.
Identifiers: ClinVar variation 630092 (VCV000630092.20), dbSNP rs1015073230, ClinGen allele CA10591581.